The following is an entry in ClinVar:

ClinVar aggregate classification (germline): Likely benign. Review status: criteria provided, multiple submitters, no conflicts (2 of 4 stars). 4 submissions from 4 submitters: Likely benign (4). Last evaluated 2026-01-27.

Conditions:
AARS1-related disorder. Also called: AARS1-related condition.
Charcot-Marie-Tooth disease type 2. Also called: Charcot-Marie-Tooth type 2. Identifiers: Orphanet 64746, MedGen C0270914, MONDO:0018993.

Allele frequency attached by ClinVar (database versions not stated): ESP Exome Variant Server 0.00008; gnomAD exomes 0.00008; ExAC 0.00012; TOPMed 0.00027; gnomAD 0.00029 and 0.00034; 1000 Genomes Project 30x 0.00031; 1000 Genomes Project 0.00040.
gnomAD v4.1: 81 of 1,614,036 alleles (0.005%); highest among the groups gnomAD compares: African/African-American, 0.092%; no homozygotes.

Submissions (4):

Labcorp Genetics (formerly Invitae), Labcorp
Classification: Likely benign for Charcot-Marie-Tooth disease type 2. Last evaluated: 2026-01-27. Review status: criteria provided, single submitter. Criteria: Invitae Variant Classification Sherloc (09022015). Collection method: clinical testing. Allele origin: germline.

PreventionGenetics, part of Exact Sciences
Classification: Likely benign for AARS1-related condition. Last evaluated: 2025-07-03. Review status: criteria provided, single submitter. Criteria: ACMG Guidelines, 2015. Collection method: clinical testing. Allele origin: germline.
Comment: This variant is classified as likely benign based on ACMG/AMP sequence variant interpretation guidelines (Richards et al. 2015 PMID: 25741868, with internal and published modifications).

Mayo Clinic Laboratories, Mayo Clinic
Classification: Likely benign. Last evaluated: 2025-04-22. Review status: criteria provided, single submitter. Criteria: ACMG Guidelines, 2015. Collection method: clinical testing. Allele origin: germline. Observed: 1 variant allele.

Revvity Omics, Revvity
Classification: Likely benign. Last evaluated: 2023-11-21. Review status: criteria provided, single submitter. Criteria: ACMG Guidelines, 2015. Collection method: clinical testing. Allele origin: germline.

NM_001605.3(AARS1):c.966T>C (p.Tyr322=)

Gene: AARS1 (alanyl-tRNA synthetase 1; minus strand). Cytogenetic location: 16q22.1.
Variant type: single nucleotide variant.
Coding change: c.966T>C on transcript NM_001605.3 (MANE Select); coding-DNA position 966, T replaced by C.
Protein change: p.Tyr322=; no amino-acid change (tyrosine 322 retained).
Molecular consequence: synonymous variant.
Genome position (GRCh38, 1-based): chr16:70,268,376, A>G on the plus strand (T>C on the coding strand, the complement: AARS1 is on the minus strand). VCF-style: chr16-70268376-A-G. GRCh37 (hg19) VCF-style: chr16-70302279-A-G.
Other names: p.Tyr322=.
Identifiers: ClinVar variation 695603 (VCV000695603.15), dbSNP rs145859060, ClinGen allele CA8140961.
Genomic context (GRCh38, chr16:70,268,376, plus strand): 5'-GCTGGCATTGAGCTTTTCATGGGCGTATCGGACAGCTCGGCGGAGAATCCGTCTCAACAC[A>G]TATCTGTAAGAGGCAAAAACTAGTCCCCAACGTTCCCAGCTGAGGGTTTTGTCTTGAGTC-3'
Protein context (NP_001596.2, residues 312-332): GGRPDNTGRG[Tyr322=]VLRRILRRAV